The following is an entry in ClinVar:

ClinVar aggregate classification (germline): Uncertain significance (1 of 4 stars; one submission).

Conditions:
Hepatic veno-occlusive disease-immunodeficiency syndrome. Also called: Hepatic Veno-Occlusive Disease with Immunodeficiency. Identifiers: Orphanet 79124, MedGen C1856128, MONDO:0009338, OMIM 235550. Disease mechanism: loss of function.

Allele frequency attached by ClinVar (database versions not stated): gnomAD 0.00001; TOPMed 0.00001; ExAC 0.00002.
gnomAD v4.1: 8 of 1,614,022 alleles (0.0005%); highest among the groups gnomAD compares: Non-Finnish European, 0.00059%; no homozygotes.

Submission:

Labcorp Genetics (formerly Invitae), Labcorp
Classification: Uncertain significance for Hepatic veno-occlusive disease-immunodeficiency syndrome. Last evaluated: 2022-03-08. Review status: criteria provided, single submitter. Criteria: Invitae Variant Classification Sherloc (09022015). Collection method: clinical testing. Allele origin: germline.
Comment: This sequence change replaces glycine, which is neutral and non-polar, with tryptophan, which is neutral and slightly polar, at codon 543 of the SP110 protein (p.Gly543Trp). This variant is present in population databases (rs758513207, gnomAD 0.0009%). This variant has not been reported in the literature in individuals affected with SP110-related conditions. Algorithms developed to predict the effect of missense changes on protein structure and function are either unavailable or do not agree on the potential impact of this missense change (SIFT: "Deleterious"; PolyPhen-2: "Possibly Damaging"; Align-GVGD: "Class C0"). In summary, the available evidence is currently insufficient to determine the role of this variant in disease. Therefore, it has been classified as a Variant of Uncertain Significance.

NM_080424.4(SP110):c.1627G>T (p.Gly543Trp)

Gene: SP110 (SP110 nuclear body protein; minus strand). Cytogenetic location: 2q37.1.
Variant type: single nucleotide variant.
Coding change: c.1627G>T on transcript NM_080424.4 (MANE Select); coding-DNA position 1627, G replaced by T.
Protein change: p.Gly543Trp; replaces glycine 543 with tryptophan.
Molecular consequence: missense variant.
Genome position (GRCh38, 1-based): chr2:230,172,923, C>A on the plus strand (G>T on the coding strand, the complement: SP110 is on the minus strand). VCF-style: chr2-230172923-C-A. GRCh37 (hg19) VCF-style: chr2-231037639-C-A.
Other names: c.1645G>T, p.Gly549Trp (NM_001378442.1, NM_001378444.1, NM_001378445.1 and 1 more transcripts); c.1627G>T, p.Gly543Trp (NM_001378443.1, NM_004509.5); short protein forms G549W, G543W.
Identifiers: ClinVar variation 2169404 (VCV002169404.1), dbSNP rs758513207, ClinGen allele CA2154401.